The following is an entry in ClinVar:

NM_001009944.3(PKD1):c.9397+3G>C

Gene: PKD1 (polycystin 1, transient receptor potential channel interacting; minus strand). Cytogenetic location: 16p13.3.
Variant type: single nucleotide variant.
Coding change: c.9397+3G>C on transcript NM_001009944.3 (MANE Select); 3 bases into the intron after coding-DNA position 9397, G replaced by C.
Molecular consequence: intron variant.
Genome position (GRCh38, 1-based): chr16:2,102,058, C>G on the plus strand (G>C on the coding strand, the complement: PKD1 is on the minus strand). VCF-style: chr16-2102058-C-G. GRCh37 (hg19) VCF-style: chr16-2152059-C-G.
Other names: c.9397+3G>C (NM_000296.4).
Identifiers: ClinVar variation 438679 (VCV000438679.3), dbSNP rs1555450109, ClinGen allele CA645509218.

ClinVar aggregate classification (germline): Pathogenic. Review status: criteria provided, single submitter (1 of 4 stars). 2 submissions from 2 submitters: Pathogenic (1). 1 of the submissions does not count toward it.

Conditions:
Polycystic kidney disease, adult type (PKD1). Also called: Polycystic Kidney, Autosomal Dominant; POLYCYSTIC KIDNEY DISEASE 1 WITH OR WITHOUT POLYCYSTIC LIVER DISEASE; POLYCYSTIC KIDNEY DISEASE, ADULT, TYPE I; Polycystic Kidney Disease 1, Autosomal Dominant; Polycystic kidney disease 1; Polycystic kidney disease 1, severe. Identifiers: MedGen C3149841, MONDO:0008263, OMIM 173900.

Submissions (2):

Juno Genomics, Hangzhou Juno Genomics, Inc
Classification: Pathogenic for Polycystic kidney disease, adult type. Review status: criteria provided, single submitter. Criteria: ACMG Guidelines, 2015. Collection method: clinical testing. Allele origin: germline. Affected: yes.
Comment: Absent from controls (or at extremely low frequency if recessive) in Genome Aggregation Database, Exome Sequencing Project, 1000 Genomes Project, or Exome Aggregation Consortium.;Null variant in a gene where loss of function (LOF) is a known mechanism of disease.;Patient's phenotype or family history is highly specific for a disease with a single genetic etiology.

Bioscientia Institut fuer Medizinische Diagnostik GmbH, Sonic Healthcare
Classification: Uncertain significance for Polycystic kidney disease, adult type. Last evaluated: 2017-04-20. Review status: no assertion criteria provided. Collection method: clinical testing. Allele origin: germline. Affected: yes. Not counted in ClinVar's aggregate classification.